The following is an entry in ClinVar:

NM_001375524.1(TRRAP):c.6085A>G (p.Lys2029Glu)

Gene: TRRAP (transformation/transcription domain associated protein; plus strand). Cytogenetic location: 7q22.1.
Variant type: single nucleotide variant.
Coding change: c.6085A>G on transcript NM_001375524.1 (MANE Select); coding-DNA position 6085, A replaced by G.
Protein change: p.Lys2029Glu; replaces lysine 2029 with glutamic acid.
Molecular consequence: missense variant.
Genome position (GRCh38, 1-based): chr7:98,956,293, A>G. VCF-style: chr7-98956293-A-G. GRCh37 (hg19) VCF-style: chr7-98553916-A-G.
Other names: c.6064A>G, p.Lys2022Glu (NM_001244580.2); c.6010A>G, p.Lys2004Glu (NM_003496.4); short protein forms K2004E, K2022E, K2029E.
Identifiers: ClinVar variation 1315350 (VCV001315350.2), dbSNP rs2116639964, ClinGen allele CA368326257.

ClinVar aggregate classification (germline): Uncertain significance (1 of 4 stars; one submission).

Submission:

GeneDx
Classification: Uncertain significance. Last evaluated: 2020-02-18. Review status: criteria provided, single submitter. Criteria: GeneDx Variant Classification Process June 2021. Collection method: clinical testing. Allele origin: germline. Affected: yes.
Comment: Not observed in large population cohorts (Lek et al., 2016); In silico analysis supports that this missense variant has a deleterious effect on protein structure/function; Has not been previously published as pathogenic or benign to our knowledge